The following is an entry in ClinVar:

ClinVar aggregate classification (germline): Pathogenic (1 of 4 stars; one submission).

Conditions:
Polycystic kidney disease, adult type (PKD1). Also called: POLYCYSTIC KIDNEY DISEASE 1 WITH OR WITHOUT POLYCYSTIC LIVER DISEASE; POLYCYSTIC KIDNEY DISEASE, ADULT, TYPE I; Polycystic Kidney Disease 1, Autosomal Dominant; Polycystic kidney disease 1; Polycystic kidney disease 1, severe; Polycystic Kidney, Autosomal Dominant. Identifiers: MedGen C3149841, MONDO:0008263, OMIM 173900.

Submission:

Women's Health and Genetics/Laboratory Corporation of America, LabCorp
Classification: Pathogenic for Polycystic kidney disease, adult type. Last evaluated: 2025-04-11. Review status: criteria provided, single submitter. Criteria: LabCorp Variant Classification Summary - May 2015. Collection method: clinical testing. Allele origin: germline.
Comment: Variant summary: The variant involves the deletion of exons 1-10 in the PKD1 gene. A presumed nomenclature of c.(?_-210)_(2097+1_2098-1)del has been designated for the purposes of this classification. The exact breakpoint at the 5' end of this variant is unknown, therefore this deletion may extend upstream of the annotated region of this gene. Although the exact breakpoints of this deletion are not known, it is predicted to remove the initiation codon and result in an absence of protein or a truncation of the encoded protein due to translation initiation at a downstream site. The variant was absent in 21590 control chromosomes. An exon 1-10 deletion has been observed in a family in which several family members are affected with autosomal dominant Polycystic Kidney Disease 1 and the variant was shown to segregate with disease (example: Cabrera-Lopez_2015). These data indicate that the variant is associated with disease. To our knowledge, no experimental evidence demonstrating an impact on protein function has been reported. The following publication has been ascertained in the context of this evaluation (PMID: 26077033). No submitters have cited clinical-significance assessments for this variant to ClinVar. Based on the evidence outlined above, the variant was classified as pathogenic.

Literature cited by the submitters: PubMed 26077033.

NC_000016.9:g.(2164927_2165378)_(2185900_?)del

Gene: PKD1 (polycystin 1, transient receptor potential channel interacting; minus strand). Cytogenetic location: 16p13.3.
Variant type: Deletion.
Identifiers: ClinVar variation 3896310 (VCV003896310.2).